The following is an entry in ClinVar:

NM_003970.4(MYOM2):c.3952C>T (p.Leu1318=)

Gene: MYOM2 (myomesin 2; plus strand). Cytogenetic location: 8p23.3.
Variant type: single nucleotide variant.
Coding change: c.3952C>T on transcript NM_003970.4 (MANE Select); coding-DNA position 3952, C replaced by T.
Protein change: p.Leu1318=; no amino-acid change (leucine 1318 retained).
Molecular consequence: synonymous variant.
Genome position (GRCh38, 1-based): chr8:2,140,874, C>T. VCF-style: chr8-2140874-C-T. GRCh37 (hg19) VCF-style: chr8-2088797-C-T.
Identifiers: ClinVar variation 3059199 (VCV003059199.2), dbSNP rs61733951, ClinGen allele CA170466461.
Genomic context (GRCh38, chr8:2,140,874, plus strand): 5'-AAAGGAAAATACACTTTTGAGATTTTCGATGGCAAAGACAACCATCAACGCTCCCTTGAC[C>T]TGTCCGGACAAGGTAAGAGAATTCTTCTTTAGCATTTAATAATTTCCTATTTAGAAATCC-3'
Protein context (NP_003961.3, residues 1308-1328): GKDNHQRSLD[Leu1318=]SGQAFDEAFA

ClinVar aggregate classification (germline): Benign (0 of 4 stars; one submission).

Conditions:
MYOM2-related disorder. Also called: MYOM2-related condition.

Allele frequency attached by ClinVar (database versions not stated): 1000 Genomes Project 30x 0.01218; 1000 Genomes Project 0.01258; ESP Exome Variant Server 0.02237; ExAC 0.02288.
gnomAD v4.1: 45,313 of 1,613,514 alleles (2.8%); highest among the groups gnomAD compares: Non-Finnish European, 3.2%; 741 homozygotes.

Submission:

PreventionGenetics, part of Exact Sciences
Classification: Benign for MYOM2-related condition. Last evaluated: 2019-02-22. Review status: no assertion criteria provided. Collection method: clinical testing. Allele origin: germline.
Comment: This variant is classified as benign based on ACMG/AMP sequence variant interpretation guidelines (Richards et al. 2015 PMID: 25741868, with internal and published modifications).